The following is an entry in ClinVar:

NM_052947.4(ALPK2):c.6443G>T (p.Ser2148Ile)

Gene: ALPK2 (alpha kinase 2; minus strand). Cytogenetic location: 18q21.31.
Variant type: single nucleotide variant.
Coding change: c.6443G>T on transcript NM_052947.4 (MANE Select); coding-DNA position 6443, G replaced by T.
Protein change: p.Ser2148Ile; replaces serine 2148 with isoleucine.
Molecular consequence: missense variant.
Genome position (GRCh38, 1-based): chr18:58,481,893, C>A on the plus strand (G>T on the coding strand, the complement: ALPK2 is on the minus strand). VCF-style: chr18-58481893-C-A. GRCh37 (hg19) VCF-style: chr18-56149125-C-A.
Other names: short protein forms S2148I.
Identifiers: ClinVar variation 1753563 (VCV001753563.2), dbSNP rs750802597, ClinGen allele CA8976153.

ClinVar aggregate classification (germline): Uncertain significance (1 of 4 stars; one submission).

Allele frequency attached by ClinVar (database versions not stated): gnomAD exomes below 0.00001; ExAC 0.00001.
gnomAD v4.1: 1 of 1,614,158 alleles (0.000062%); highest among the groups gnomAD compares: Non-Finnish European, 0.000085%; no homozygotes.

Submission:

Ambry Genetics
Classification: Uncertain significance. Last evaluated: 2024-01-19. Review status: criteria provided, single submitter. Criteria: Ambry Variant Classification Scheme 2023. Collection method: clinical testing. Allele origin: germline.
Comment: The p.S2148I variant (also known as c.6443G>T), located in coding exon 12 of the ALPK2 gene, results from a G to T substitution at nucleotide position 6443. The serine at codon 2148 is replaced by isoleucine, an amino acid with dissimilar properties. This amino acid position is conserved. In addition, this alteration is predicted to be tolerated by in silico analysis. Since supporting evidence is limited at this time, the clinical significance of this alteration remains unclear.